The following is an entry in ClinVar:

ClinVar aggregate classification (germline): Likely benign. Review status: criteria provided, multiple submitters, no conflicts (2 of 4 stars). 4 submissions from 4 submitters: Likely benign (3). 1 of the submissions does not count toward it. Last evaluated 2026-04-13.

Conditions:
DICER1-related disorder. Also called: DICER1-related condition.
Hereditary cancer-predisposing syndrome. Also called: Hereditary neoplastic syndrome; Neoplastic Syndromes, Hereditary; Hereditary Cancer Syndrome; Tumor predisposition. Identifiers: Orphanet 140162, MedGen C0027672, MeSH D009386, MONDO:0015356.
DICER1-related tumor predisposition. Also called: DICER1-related pleuropulmonary blastoma cancer predisposition syndrome; DICER1 syndrome. Identifiers: Orphanet 284343, MedGen C3839822, MONDO:0100216.

Allele frequency attached by ClinVar (database versions not stated): TOPMed below 0.00001; gnomAD 0.00001 and 0.00002; ExAC 0.00002; gnomAD exomes 0.00004 and 0.00001; 1000 Genomes Project 30x 0.00031; 1000 Genomes Project 0.00040.
gnomAD v4.1: 28 of 1,614,000 alleles (0.0017%); highest among the groups gnomAD compares: East Asian, 0.031%; no homozygotes.

Submissions (4):

Myriad Genetics, Inc.
Classification: Likely benign for DICER1-related tumor predisposition. Last evaluated: 2026-04-13. Review status: criteria provided, single submitter. Criteria: Myriad Autosomal Dominant, Autosomal Recessive and X-Linked Classification Criteria (2023). Collection method: clinical testing. Allele origin: unknown.
Comment: This variant is considered likely benign. This variant is intronic and is not expected to impact mRNA splicing.

Labcorp Genetics (formerly Invitae), Labcorp
Classification: Likely benign for DICER1-related tumor predisposition. Last evaluated: 2026-02-03. Review status: criteria provided, single submitter. Criteria: Invitae Variant Classification Sherloc (09022015). Collection method: clinical testing. Allele origin: germline.

Sema4
Classification: Likely benign for Hereditary cancer-predisposing syndrome. Last evaluated: 2021-08-25. Review status: criteria provided, single submitter. Criteria: Sema4 Curation Guidelines. Collection method: curation. Allele origin: germline.

PreventionGenetics, part of Exact Sciences
Classification: Likely benign for DICER1-related condition. Last evaluated: 2020-07-14. Review status: no assertion criteria provided. Collection method: clinical testing. Allele origin: germline. Not counted in ClinVar's aggregate classification.
Comment: This variant is classified as likely benign based on ACMG/AMP sequence variant interpretation guidelines (Richards et al. 2015 PMID: 25741868, with internal and published modifications).

NM_177438.3(DICER1):c.1753-6G>A

Gene: DICER1 (dicer 1, ribonuclease III; minus strand). Cytogenetic location: 14q32.13.
Variant type: single nucleotide variant.
Coding change: c.1753-6G>A on transcript NM_177438.3 (MANE Select); 6 bases into the intron before coding-DNA position 1753, G replaced by A.
Molecular consequence: intron variant.
Genome position (GRCh38, 1-based): chr14:95,115,827, C>T on the plus strand (G>A on the coding strand, the complement: DICER1 is on the minus strand). VCF-style: chr14-95115827-C-T. GRCh37 (hg19) VCF-style: chr14-95582164-C-T.
Other names: c.1753-6G>A (NM_001291628.2, NM_030621.4, NM_001271282.3 and 1 more transcripts).
Identifiers: ClinVar variation 477058 (VCV000477058.15), dbSNP rs200569366, ClinGen allele CA7331405.